The following is an entry in ClinVar:

ClinVar aggregate classification (germline): Uncertain significance. Review status: criteria provided, multiple submitters, no conflicts (2 of 4 stars). 2 submissions from 2 submitters: Uncertain significance (2). Last evaluated 2025-05-19.

Conditions:
Inborn genetic diseases. Identifiers: MedGen C0950123, MeSH D030342.

Allele frequency attached by ClinVar (database versions not stated): gnomAD 0.00001; TOPMed 0.00001; gnomAD exomes 0.00002.
gnomAD v4.1: 28 of 1,613,976 alleles (0.0017%); highest among the groups gnomAD compares: Non-Finnish European, 0.0024%; no homozygotes.

Submissions (2):

Labcorp Genetics (formerly Invitae), Labcorp
Classification: Uncertain significance. Last evaluated: 2025-05-19. Review status: criteria provided, single submitter. Criteria: Invitae Variant Classification Sherloc (09022015). Collection method: clinical testing. Allele origin: germline.
Comment: This sequence change replaces proline, which is neutral and non-polar, with alanine, which is neutral and non-polar, at codon 330 of the ACVR1 protein (p.Pro330Ala). This variant is present in population databases (no rsID available, gnomAD 0.007%). This variant has not been reported in the literature in individuals affected with ACVR1-related conditions. ClinVar contains an entry for this variant (Variation ID: 2217915). An algorithm developed to predict the effect of missense changes on protein structure and function (PolyPhen-2) suggests that this variant is likely to be tolerated. In summary, the available evidence is currently insufficient to determine the role of this variant in disease. Therefore, it has been classified as a Variant of Uncertain Significance.

Ambry Genetics
Classification: Uncertain significance for Inborn genetic diseases. Last evaluated: 2022-09-07. Review status: criteria provided, single submitter. Criteria: Ambry Variant Classification Scheme 2023. Collection method: clinical testing. Allele origin: germline.

NM_001111067.4(ACVR1):c.988C>G (p.Pro330Ala)

Gene: ACVR1 (activin A receptor type 1; minus strand). Cytogenetic location: 2q24.1.
Variant type: single nucleotide variant.
Coding change: c.988C>G on transcript NM_001111067.4 (MANE Select); coding-DNA position 988, C replaced by G.
Protein change: p.Pro330Ala; replaces proline 330 with alanine.
Molecular consequence: missense variant.
Genome position (GRCh38, 1-based): chr2:157,765,999, G>C on the plus strand (C>G on the coding strand, the complement: ACVR1 is on the minus strand). VCF-style: chr2-157765999-G-C. GRCh37 (hg19) VCF-style: chr2-158622511-G-C.
Other names: c.988C>G, p.Pro330Ala (NM_001105.5, NM_001347663.1, NM_001347664.1 and 3 more transcripts); short protein forms P330A.
Identifiers: ClinVar variation 2217915 (VCV002217915.5), dbSNP rs1471307549, ClinGen allele CA349190058.
Genomic context (GRCh38, chr2:157,765,999, plus strand): 5'-ACTGTCCATTCTTCTTAACCAGAATATTTTTGCTCTTTAAATCTCGATGGGCAATGGCTG[G>C]TTTCCCTTGGGTCCCAAATATCTCTATGTGCAAATGTGCAAGACCACTAGCTATGGACAG-3'
Protein context (NP_001104537.1, residues 320-340): HIEIFGTQGK[Pro330Ala]AIAHRDLKSK